The following is an entry in ClinVar:

ClinVar aggregate classification (germline): Conflicting classifications of pathogenicity. Review status: criteria provided, conflicting classifications (1 of 4 stars). 2 submissions from 2 submitters: Likely pathogenic (1); Uncertain significance (1). Last evaluated 2024-03-29.

Allele frequency attached by ClinVar (database versions not stated): gnomAD exomes below 0.00001; gnomAD 0.00001; TOPMed 0.00002; ESP Exome Variant Server 0.00008.
gnomAD v4.1: 3 of 1,613,892 alleles (0.00019%); highest among the groups gnomAD compares: East Asian, 0.0045%; no homozygotes.

Submissions (2):

GeneDx
Classification: Likely pathogenic. Last evaluated: 2024-03-29. Review status: criteria provided, single submitter. Criteria: GeneDx Variant Classification Process June 2021. Collection method: clinical testing. Allele origin: germline. Affected: yes.
Comment: Not observed at significant frequency in large population cohorts (gnomAD); In silico analysis supports that this missense variant has a deleterious effect on protein structure/function; This variant is associated with the following publications: (PMID: 32812336)

Labcorp Genetics (formerly Invitae), Labcorp
Classification: Uncertain significance. Last evaluated: 2022-06-20. Review status: criteria provided, single submitter. Criteria: Invitae Variant Classification Sherloc (09022015). Collection method: clinical testing. Allele origin: germline.
Comment: In summary, the available evidence is currently insufficient to determine the role of this variant in disease. Therefore, it has been classified as a Variant of Uncertain Significance. Algorithms developed to predict the effect of missense changes on protein structure and function are either unavailable or do not agree on the potential impact of this missense change (SIFT: "Deleterious"; PolyPhen-2: "Benign"; Align-GVGD: "Class C55"). This sequence change replaces alanine, which is neutral and non-polar, with valine, which is neutral and non-polar, at codon 857 of the NBAS protein (p.Ala857Val). This variant is not present in population databases (gnomAD no frequency). This missense change has been observed in individual(s) with infantile liver failure syndrome (PMID: 32812336). In at least one individual the data is consistent with being in trans (on the opposite chromosome) from a pathogenic variant.

Literature cited by the submitters: PubMed 32812336 (cited by Labcorp Genetics (formerly Invitae), Labcorp).

NM_015909.4(NBAS):c.2570C>T (p.Ala857Val)

Gene: NBAS (NBAS subunit of NRZ tethering complex; minus strand). Cytogenetic location: 2p24.3.
Variant type: single nucleotide variant.
Coding change: c.2570C>T on transcript NM_015909.4 (MANE Select); coding-DNA position 2570, C replaced by T.
Protein change: p.Ala857Val; replaces alanine 857 with valine.
Molecular consequence: missense variant. On other transcripts: non-coding transcript variant (1).
Genome position (GRCh38, 1-based): chr2:15,424,322, G>A on the plus strand (C>T on the coding strand, the complement: NBAS is on the minus strand). VCF-style: chr2-15424322-G-A. GRCh37 (hg19) VCF-style: chr2-15564446-G-A.
Other names: c.2570C>T (NM_015909.3); short protein forms A857V.
Identifiers: ClinVar variation 1928162 (VCV001928162.6), dbSNP rs371527316, ClinGen allele CA42632416.